The following is an entry in ClinVar:

ClinVar aggregate classification (germline): Uncertain significance (1 of 4 stars; one submission).

Submission:

Labcorp Genetics (formerly Invitae), Labcorp
Classification: Uncertain significance. Last evaluated: 2022-03-12. Review status: criteria provided, single submitter. Criteria: Invitae Variant Classification Sherloc (09022015). Collection method: clinical testing. Allele origin: germline.
Comment: Algorithms developed to predict the effect of missense changes on protein structure and function are either unavailable or do not agree on the potential impact of this missense change (SIFT: "Deleterious"; PolyPhen-2: "Possibly Damaging"; Align-GVGD: "Class C0"). In summary, the available evidence is currently insufficient to determine the role of this variant in disease. Therefore, it has been classified as a Variant of Uncertain Significance. This variant has not been reported in the literature in individuals affected with MCM5-related conditions. This variant is not present in population databases (gnomAD no frequency). This sequence change replaces threonine, which is neutral and polar, with serine, which is neutral and polar, at codon 476 of the MCM5 protein (p.Thr476Ser).

NM_006739.4(MCM5):c.1427C>G (p.Thr476Ser)

Gene: MCM5 (minichromosome maintenance complex component 5; plus strand). Cytogenetic location: 22q12.3.
Variant type: single nucleotide variant.
Coding change: c.1427C>G on transcript NM_006739.4 (MANE Select); coding-DNA position 1427, C replaced by G.
Protein change: p.Thr476Ser; replaces threonine 476 with serine.
Molecular consequence: missense variant.
Genome position (GRCh38, 1-based): chr22:35,416,651, C>G. VCF-style: chr22-35416651-C-G. GRCh37 (hg19) VCF-style: chr22-35812644-C-G.
Other names: short protein forms T476S.
Identifiers: ClinVar variation 1976541 (VCV001976541.5), dbSNP rs778414820, ClinGen allele CA411347510.